The following is an entry in ClinVar:

ClinVar aggregate classification (germline): Uncertain significance (1 of 4 stars; one submission).

Conditions:
Multiple congenital anomalies-hypotonia-seizures syndrome 1 (MCAHS1). Also called: PIGN-CDG; Congenital disorder of glycosylation due to PIGN deficiency; GLYCOSYLPHOSPHATIDYLINOSITOL BIOSYNTHESIS DEFECT 3. Identifiers: Orphanet 280633, MedGen C3279775, MONDO:0013563, OMIM 614080.

Allele frequency attached by ClinVar (database versions not stated): TOPMed 0.00002; gnomAD 0.00001.
gnomAD v4.1: 54 of 1,552,114 alleles (0.0035%); highest among the groups gnomAD compares: Non-Finnish European, 0.0047%; no homozygotes.

Submission:

Labcorp Genetics (formerly Invitae), Labcorp
Classification: Uncertain significance for Multiple congenital anomalies-hypotonia-seizures syndrome 1. Last evaluated: 2022-08-15. Review status: criteria provided, single submitter. Criteria: Invitae Variant Classification Sherloc (09022015). Collection method: clinical testing. Allele origin: germline.
Comment: This sequence change replaces alanine, which is neutral and non-polar, with serine, which is neutral and polar, at codon 813 of the PIGN protein (p.Ala813Ser). The frequency data for this variant in the population databases is considered unreliable, as metrics indicate poor data quality at this position in the gnomAD database. This variant has not been reported in the literature in individuals affected with PIGN-related conditions. ClinVar contains an entry for this variant (Variation ID: 472219). Algorithms developed to predict the effect of missense changes on protein structure and function output the following: SIFT: "Tolerated"; PolyPhen-2: "Benign"; Align-GVGD: "Class C0". The serine amino acid residue is found in multiple mammalian species, which suggests that this missense change does not adversely affect protein function. In summary, the available evidence is currently insufficient to determine the role of this variant in disease. Therefore, it has been classified as a Variant of Uncertain Significance.

NM_176787.5(PIGN):c.2437G>T (p.Ala813Ser)

Gene: PIGN (phosphatidylinositol glycan anchor biosynthesis class N; minus strand). Cytogenetic location: 18q21.33.
Variant type: single nucleotide variant.
Coding change: c.2437G>T on transcript NM_176787.5 (MANE Select); coding-DNA position 2437, G replaced by T.
Protein change: p.Ala813Ser; replaces alanine 813 with serine.
Molecular consequence: missense variant.
Genome position (GRCh38, 1-based): chr18:62,084,596, C>A on the plus strand (G>T on the coding strand, the complement: PIGN is on the minus strand). VCF-style: chr18-62084596-C-A. GRCh37 (hg19) VCF-style: chr18-59751829-C-A.
Other names: c.2437G>T, p.Ala813Ser (NM_012327.6); short protein forms A813S.
Identifiers: ClinVar variation 472219 (VCV000472219.8), dbSNP rs769813940, ClinGen allele CA301690139.